The following is an entry in ClinVar:

NM_004667.6(HERC2):c.11642C>G (p.Ser3881Cys)

Gene: HERC2 (HECT and RLD domain containing E3 ubiquitin protein ligase 2; minus strand). Cytogenetic location: 15q13.1.
Variant type: single nucleotide variant.
Coding change: c.11642C>G on transcript NM_004667.6 (MANE Select); coding-DNA position 11642, C replaced by G.
Protein change: p.Ser3881Cys; replaces serine 3881 with cysteine.
Molecular consequence: missense variant.
Genome position (GRCh38, 1-based): chr15:28,142,296, G>C on the plus strand (C>G on the coding strand, the complement: HERC2 is on the minus strand). VCF-style: chr15-28142296-G-C. GRCh37 (hg19) VCF-style: chr15-28387442-G-C.
Other names: short protein forms S3881C.
Identifiers: ClinVar variation 4823169 (VCV004823169.4).

ClinVar aggregate classification (germline): Uncertain significance (1 of 4 stars; one submission).

Submission:

CeGaT Center for Human Genetics Tuebingen
Classification: Uncertain significance. Last evaluated: 2026-02-01. Review status: criteria provided, single submitter. Criteria: CeGaT Center For Human Genetics Tuebingen Variant Classification Criteria Version 2. Collection method: clinical testing. Allele origin: germline. Affected: yes. Observed: 1 variant allele.
Comment: HERC2: PM2